The following is an entry in ClinVar:

NM_020638.3(FGF23):c.458C>T (p.Pro153Leu)

Gene: FGF23 (fibroblast growth factor 23; minus strand). Cytogenetic location: 12p13.32.
Variant type: single nucleotide variant.
Coding change: c.458C>T on transcript NM_020638.3 (MANE Select); coding-DNA position 458, C replaced by T.
Protein change: p.Pro153Leu; replaces proline 153 with leucine.
Molecular consequence: missense variant.
Genome position (GRCh38, 1-based): chr12:4,370,641, G>A on the plus strand (C>T on the coding strand, the complement: FGF23 is on the minus strand). VCF-style: chr12-4370641-G-A. GRCh37 (hg19) VCF-style: chr12-4479807-G-A.
Other names: short protein forms P153L.
Identifiers: ClinVar variation 2004596 (VCV002004596.4), dbSNP rs1865053647, ClinGen allele CA383416251.
Genomic context (GRCh38, chr12:4,370,641, plus strand): 5'-ATGGGGGTGTTGAAGTGAATTAGGGGGATCTCGTTCCTCCGGGACAGGAACTGGGAGTAC[G>A]GGGGTGGGTTCATGCCTGGCAGGAAGGCTCTCTTCGCCCGGCCCAGACTGACCAGGAAGT-3'
Protein context (NP_065689.1, residues 143-163): RAFLPGMNPP[Pro153Leu]YSQFLSRRNE

ClinVar aggregate classification (germline): Uncertain significance (1 of 4 stars; one submission).

Allele frequency attached by ClinVar (database versions not stated): gnomAD 0.00001.
gnomAD v4.1: 2 of 1,614,018 alleles (0.00012%); highest among the groups gnomAD compares: African/African-American, 0.0013%; no homozygotes.

Submission:

Labcorp Genetics (formerly Invitae), Labcorp
Classification: Uncertain significance. Last evaluated: 2025-06-12. Review status: criteria provided, single submitter. Criteria: Invitae Variant Classification Sherloc (09022015). Collection method: clinical testing. Allele origin: germline.
Comment: This sequence change replaces proline, which is neutral and non-polar, with leucine, which is neutral and non-polar, at codon 153 of the FGF23 protein (p.Pro153Leu). This variant is not present in population databases (gnomAD no frequency). This variant has not been reported in the literature in individuals affected with FGF23-related conditions. ClinVar contains an entry for this variant (Variation ID: 2004596). Invitae Evidence Modeling of protein sequence and biophysical properties (such as structural, functional, and spatial information, amino acid conservation, physicochemical variation, residue mobility, and thermodynamic stability) indicates that this missense variant is expected to disrupt FGF23 protein function with a positive predictive value of 95%. In summary, the available evidence is currently insufficient to determine the role of this variant in disease. Therefore, it has been classified as a Variant of Uncertain Significance.